The following is an entry in ClinVar:

ClinVar aggregate classification (germline): Uncertain significance (1 of 4 stars; one submission).

Conditions:
Ehlers-Danlos syndrome, musculocontractural type 2 (EDSMC2). Identifiers: Orphanet 2953, MedGen C3809845, MONDO:0014236, OMIM 615539.

Allele frequency attached by ClinVar (database versions not stated): TOPMed below 0.00001; gnomAD 0.00001; gnomAD exomes 0.00001; ExAC 0.00002.
gnomAD v4.1: 6 of 1,614,046 alleles (0.00037%); highest among the groups gnomAD compares: Non-Finnish European, 0.00042%; no homozygotes.

Submission:

Labcorp Genetics (formerly Invitae), Labcorp
Classification: Uncertain significance for Ehlers-Danlos syndrome, musculocontractural type 2. Last evaluated: 2024-02-17. Review status: criteria provided, single submitter. Criteria: Invitae Variant Classification Sherloc (09022015). Collection method: clinical testing. Allele origin: germline.
Comment: This sequence change replaces glutamic acid, which is acidic and polar, with lysine, which is basic and polar, at codon 409 of the DSE protein (p.Glu409Lys). This variant is present in population databases (rs767730463, gnomAD 0.003%). This variant has not been reported in the literature in individuals affected with DSE-related conditions. ClinVar contains an entry for this variant (Variation ID: 653778). Advanced modeling of protein sequence and biophysical properties (such as structural, functional, and spatial information, amino acid conservation, physicochemical variation, residue mobility, and thermodynamic stability) performed at Invitae indicates that this missense variant is not expected to disrupt DSE protein function with a negative predictive value of 80%. In summary, the available evidence is currently insufficient to determine the role of this variant in disease. Therefore, it has been classified as a Variant of Uncertain Significance.

NM_013352.4(DSE):c.1225G>A (p.Glu409Lys)

Gene: DSE (dermatan sulfate epimerase; plus strand). Cytogenetic location: 6q22.1.
Variant type: single nucleotide variant.
Coding change: c.1225G>A on transcript NM_013352.4 (MANE Select); coding-DNA position 1225, G replaced by A.
Protein change: p.Glu409Lys; replaces glutamic acid 409 with lysine.
Molecular consequence: missense variant. On other transcripts: 3 prime UTR variant (2), non-coding transcript variant (1).
Genome position (GRCh38, 1-based): chr6:116,435,693, G>A. VCF-style: chr6-116435693-G-A. GRCh37 (hg19) VCF-style: chr6-116756856-G-A.
Other names: c.1225G>A, p.Glu409Lys (NM_001080976.3, NM_001322937.2, NM_001322938.2); c.1282G>A, p.Glu428Lys (NM_001322939.2); c.664G>A, p.Glu222Lys (NM_001322940.2, NM_001322941.2); c.*90G>A (NM_001322943.2, NM_001322944.2); c.226G>A, p.Glu76Lys (NM_001374520.1); c.190G>A, p.Glu64Lys (NM_001374521.1); short protein forms E409K, E222K, E428K, E76K, E64K.
Identifiers: ClinVar variation 653778 (VCV000653778.8), dbSNP rs767730463, ClinGen allele CA3969643.
Genomic context (GRCh38, chr6:116,435,693, plus strand): 5'-CCTACACTGCATTATTTTGAAGACTGGGGTGTCGTGACTTATGGAAGTGCACTACCTGCA[G>A]AAATCAATAGATCTTTCCTTTCCTTCAAGTCTGGAAAACTGGGGGGACGTGCAATATATG-3'
Protein context (NP_037484.1, residues 399-419): VVTYGSALPA[Glu409Lys]INRSFLSFKS